The following is an entry in ClinVar:

ClinVar aggregate classification (germline): Uncertain significance. Review status: criteria provided, multiple submitters, no conflicts (2 of 4 stars). 2 submissions from 2 submitters: Uncertain significance (2). Last evaluated 2023-01-01.

Conditions:
Autism, susceptibility to, 17. Also called: Autism susceptibility 17. Identifiers: MedGen C3150693, MONDO:0013265, OMIM 613436.

Allele frequency attached by ClinVar (database versions not stated): gnomAD exomes 0.00001; TOPMed 0.00001; gnomAD 0.00003; ExAC 0.00005; 1000 Genomes Project 30x 0.00047; 1000 Genomes Project 0.00060.
gnomAD v4.1: 15 of 1,551,612 alleles (0.00097%); highest among the groups gnomAD compares: East Asian, 0.037%; no homozygotes.

Submissions (2):

CeGaT Center for Human Genetics Tuebingen
Classification: Uncertain significance. Last evaluated: 2023-01-01. Review status: criteria provided, single submitter. Criteria: CeGaT Center For Human Genetics Tuebingen Variant Classification Criteria Version 2. Collection method: clinical testing. Allele origin: germline. Affected: yes. Observed: 1 variant allele.

Juno Genomics, Hangzhou Juno Genomics, Inc
Classification: Uncertain significance for Autism, susceptibility to, 17. Review status: criteria provided, single submitter. Criteria: ACMG Guidelines, 2015. Collection method: clinical testing. Allele origin: germline.
Comment: Absent from controls (or at extremely low frequency if recessive) in Genome Aggregation Database.;Missense variant in a gene that has a low rate of benign missense variation.;Multiple lines of computational evidence support a deleterious effect on the gene or gene product.

NM_012309.5(SHANK2):c.713C>G (p.Ala238Gly)

Gene: SHANK2 (SH3 and multiple ankyrin repeat domains 2; minus strand). Cytogenetic location: 11q13.4.
Variant type: single nucleotide variant.
Coding change: c.713C>G on transcript NM_012309.5 (MANE Select); coding-DNA position 713, C replaced by G.
Protein change: p.Ala238Gly; replaces alanine 238 with glycine.
Molecular consequence: missense variant.
Genome position (GRCh38, 1-based): chr11:71,094,568, G>C on the plus strand (C>G on the coding strand, the complement: SHANK2 is on the minus strand). VCF-style: chr11-71094568-G-C. GRCh37 (hg19) VCF-style: chr11-70805614-G-C.
Other names: short protein forms A238G.
Identifiers: ClinVar variation 2642101 (VCV002642101.25), dbSNP rs559979675, ClinGen allele CA6162087.